The following is an entry in ClinVar:

NM_001371596.2(MFSD8):c.1416C>T (p.Ile472=)

Gene: MFSD8 (major facilitator superfamily domain containing 8; minus strand). Cytogenetic location: 4q28.2.
Variant type: single nucleotide variant.
Coding change: c.1416C>T on transcript NM_001371596.2 (MANE Select); coding-DNA position 1416, C replaced by T.
Protein change: p.Ile472=; no amino-acid change (isoleucine 472 retained).
Molecular consequence: synonymous variant. On other transcripts: 3 prime UTR variant (1).
Genome position (GRCh38, 1-based): chr4:127,920,771, G>A on the plus strand (C>T on the coding strand, the complement: MFSD8 is on the minus strand). VCF-style: chr4-127920771-G-A. GRCh37 (hg19) VCF-style: chr4-128841926-G-A.
Other names: c.1215C>T, p.Ile405= (NM_001363520.3); c.1101C>T, p.Ile367= (NM_001363521.3); c.1281C>T, p.Ile427= (NM_001371590.2); c.1425C>T, p.Ile475= (NM_001371591.2); c.1422C>T, p.Ile474= (NM_001371592.2); c.1302C>T, p.Ile434= (NM_001371593.2); c.1269C>T, p.Ile423= (NM_001371594.2); c.1134C>T, p.Ile378= (NM_001371595.1); and 3 more.
Identifiers: ClinVar variation 681524 (VCV000681524.9), dbSNP rs1473670776, ClinGen allele CA441209419.

ClinVar aggregate classification (germline): Likely benign. Review status: criteria provided, multiple submitters, no conflicts (2 of 4 stars). 2 submissions from 2 submitters: Likely benign (2). Last evaluated 2023-04-14.

Conditions:
Neuronal ceroid lipofuscinosis 7 (CLN7). Also called: MFSD8-Related Neuronal Ceroid-Lipofuscinosis. Identifiers: Orphanet 168491, Orphanet 228366, MedGen C1838571, MONDO:0012588, OMIM 610951.

Allele frequency attached by ClinVar (database versions not stated): gnomAD exomes below 0.00001 and 0.00001; TOPMed below 0.00001; gnomAD 0.00001.
gnomAD v4.1: 4 of 1,613,996 alleles (0.00025%); highest among the groups gnomAD compares: Admixed American, 0.005%; no homozygotes.

Submissions (2):

Labcorp Genetics (formerly Invitae), Labcorp
Classification: Likely benign for Neuronal ceroid lipofuscinosis 7. Last evaluated: 2023-04-14. Review status: criteria provided, single submitter. Criteria: Invitae Variant Classification Sherloc (09022015). Collection method: clinical testing. Allele origin: germline.

GeneDx
Classification: Likely benign. Last evaluated: 2018-04-05. Review status: criteria provided, single submitter. Criteria: GeneDx Variant Classification (06012015). Collection method: clinical testing. Allele origin: germline. Affected: yes.
Comment: This variant is considered likely benign or benign based on one or more of the following criteria: it is a conservative change, it occurs at a poorly conserved position in the protein, it is predicted to be benign by multiple in silico algorithms, and/or has population frequency not consistent with disease.